The following is an entry in ClinVar:

NM_000088.4(COL1A1):c.2534G>C (p.Gly845Ala)

Gene: COL1A1 (collagen type I alpha 1 chain; minus strand). Cytogenetic location: 17q21.33.
Variant type: single nucleotide variant.
Coding change: c.2534G>C on transcript NM_000088.4 (MANE Select); coding-DNA position 2534, G replaced by C.
Protein change: p.Gly845Ala; replaces glycine 845 with alanine.
Molecular consequence: missense variant.
Genome position (GRCh38, 1-based): chr17:50,190,026, C>G on the plus strand (G>C on the coding strand, the complement: COL1A1 is on the minus strand). VCF-style: chr17-50190026-C-G. GRCh37 (hg19) VCF-style: chr17-48267387-C-G.
Other names: short protein forms G845A.
Identifiers: ClinVar variation 526841 (VCV000526841.11), dbSNP rs1555572640, ClinGen allele CA400207574.

ClinVar aggregate classification (germline): Pathogenic (1 of 4 stars; one submission).

Conditions:
Osteogenesis imperfecta type I (OI1). Also called: Osteogenesis imperfecta type 1; OI, TYPE I; OSTEOGENESIS IMPERFECTA TARDA; OSTEOGENESIS IMPERFECTA WITH BLUE SCLERAE; Lobstein's Disease; Lobstein disease. Identifiers: Orphanet 216796, Orphanet 666, MedGen C0023931, MONDO:0008146, OMIM 166200. Disease mechanism: loss of function.

Submission:

Labcorp Genetics (formerly Invitae), Labcorp
Classification: Pathogenic for Osteogenesis imperfecta type I. Last evaluated: 2025-10-09. Review status: criteria provided, single submitter. Criteria: Invitae Variant Classification Sherloc (09022015). Collection method: clinical testing. Allele origin: germline.
Comment: This sequence change replaces glycine, which is neutral and non-polar, with alanine, which is neutral and non-polar, at codon 845 of the COL1A1 protein (p.Gly845Ala). This variant is not present in population databases (gnomAD no frequency). This variant has not been reported in the literature in individuals affected with COL1A1-related conditions. ClinVar contains an entry for this variant (Variation ID: 526841). Invitae Evidence Modeling of protein sequence and biophysical properties (such as structural, functional, and spatial information, amino acid conservation, physicochemical variation, residue mobility, and thermodynamic stability) indicates that this missense variant is expected to disrupt COL1A1 protein function with a positive predictive value of 95%. This variant disrupts the triple helix domain of COL1A1. Glycine residues within the Gly-Xaa-Yaa repeats of the triple helix domain are required for the structure and stability of fibrillar collagens (PMID: 7695699, 8218237, 19344236). In COL1A1, variants affecting these glycine residues are significantly enriched in individuals with disease (PMID: 9016532, 17078022) compared to the general population (ExAC). This variant disrupts the p.Gly845 amino acid residue in COL1A1. Other variant(s) that disrupt this residue have been determined to be pathogenic (PMID: 3403550, 18996919, 27509835). This suggests that this residue is clinically significant, and that variants that disrupt this residue are likely to be disease-causing. For these reasons, this variant has been classified as Pathogenic.

Literature cited by the submitters: PubMed 7695699; PubMed 8218237; PubMed 19344236; PubMed 9016532; PubMed 17078022; PubMed 3403550; PubMed 18996919; PubMed 27509835.